The following is an entry in ClinVar:

NM_000080.4(CHRNE):c.1183T>G (p.Phe395Val)

Genes: CHRNE (cholinergic receptor nicotinic epsilon subunit; minus strand), LOC130060040 (ATAC-STARR-seq lymphoblastoid silent region 8049; plus strand). Cytogenetic location: 17p13.2.
Variant type: single nucleotide variant.
Coding change: c.1183T>G on transcript NM_000080.4 (MANE Select); coding-DNA position 1183, T replaced by G.
Protein change: p.Phe395Val; replaces phenylalanine 395 with valine.
Molecular consequence: missense variant.
Genome position (GRCh38, 1-based): chr17:4,899,234, A>C on the plus strand (T>G on the coding strand, the complement: CHRNE is on the minus strand). VCF-style: chr17-4899234-A-C. GRCh37 (hg19) VCF-style: chr17-4802529-A-C.
Other names: c.1183T>G, p.Phe395Val (LRG_1254t1); short protein forms F395V.
Identifiers: ClinVar variation 287916 (VCV000287916.27), dbSNP rs755802710, ClinGen allele CA8313987.

ClinVar aggregate classification (germline): Uncertain significance. Review status: criteria provided, multiple submitters, no conflicts (2 of 4 stars). 8 submissions from 8 submitters: Uncertain significance (7). 1 of the submissions does not count toward it. Last evaluated 2025-11-26.

Conditions:
Inborn genetic diseases. Identifiers: MedGen C0950123, MeSH D030342.
Congenital myasthenic syndrome (CMS). Also called: Congenital Myasthenic Syndromes. Identifiers: Orphanet 590, MedGen C0751882, MeSH D020294, MONDO:0018940.
Congenital myasthenic syndrome 4A. Also called: MYASTHENIC SYNDROME, CONGENITAL, 4A, SLOW-CHANNEL, AUTOSOMAL RECESSIVE; Myasthenic syndrome, congenital, 4a, slow-channel; CONGENITAL MYASTHENIC SYNDROME TYPE Ia1. Identifiers: Orphanet 590, MedGen C4225413, MONDO:0011600, OMIM 605809.

Allele frequency attached by ClinVar (database versions not stated): gnomAD 0.00011; TOPMed 0.00012; gnomAD exomes 0.00026 and 0.00010; ExAC 0.00010.
gnomAD v4.1: 397 of 1,606,836 alleles (0.025%); highest among the groups gnomAD compares: Non-Finnish European, 0.032%; no homozygotes.

Submissions (8):

Ambry Genetics
Classification: Uncertain significance for Inborn genetic diseases. Last evaluated: 2025-11-26. Review status: criteria provided, single submitter. Criteria: Ambry Variant Classification Scheme 2023. Collection method: clinical testing. Allele origin: germline.

Labcorp Genetics (formerly Invitae), Labcorp
Classification: Uncertain significance for Congenital myasthenic syndrome 4A. Last evaluated: 2025-10-02. Review status: criteria provided, single submitter. Criteria: Invitae Variant Classification Sherloc (09022015). Collection method: clinical testing. Allele origin: germline.
Comment: This sequence change replaces phenylalanine, which is neutral and non-polar, with valine, which is neutral and non-polar, at codon 395 of the CHRNE protein (p.Phe395Val). This variant is present in population databases (rs755802710, gnomAD 0.02%). This variant has not been reported in the literature in individuals affected with CHRNE-related conditions. ClinVar contains an entry for this variant (Variation ID: 287916). Invitae Evidence Modeling of protein sequence and biophysical properties (such as structural, functional, and spatial information, amino acid conservation, physicochemical variation, residue mobility, and thermodynamic stability) has been performed for this missense variant. However, the output from this modeling did not meet the statistical confidence thresholds required to predict the impact of this variant on CHRNE protein function. In summary, the available evidence is currently insufficient to determine the role of this variant in disease. Therefore, it has been classified as a Variant of Uncertain Significance.

CeGaT Center for Human Genetics Tuebingen
Classification: Uncertain significance. Last evaluated: 2025-03-01. Review status: criteria provided, single submitter. Criteria: CeGaT Center For Human Genetics Tuebingen Variant Classification Criteria Version 2. Collection method: clinical testing. Allele origin: germline. Affected: yes. Observed: 1 variant allele.
Comment: CHRNE: PM2, PP3

Revvity Omics, Revvity
Classification: Uncertain significance. Last evaluated: 2024-09-12. Review status: criteria provided, single submitter. Criteria: ACMG Guidelines, 2015. Collection method: clinical testing. Allele origin: germline.

Illumina Laboratory Services, Illumina
Classification: Uncertain significance for Congenital myasthenic syndrome. Last evaluated: 2018-01-13. Review status: criteria provided, single submitter. Criteria: ICSL Variant Classification Criteria 13 December 2019. Collection method: clinical testing. Allele origin: germline.

Eurofins Ntd Llc (ga)
Classification: Uncertain significance. Last evaluated: 2016-06-01. Review status: criteria provided, single submitter. Criteria: EGL Classification Definitions 2015. Collection method: clinical testing. Allele origin: germline. Observed: 1 variant allele, 1 heterozygote.

Breakthrough Genomics
Classification: Uncertain significance. Review status: criteria provided, single submitter. Criteria: ACMG Guidelines, 2015. Collection method: not provided. Allele origin: germline. Inheritance: Autosomal recessive inheritance. Affected: yes.

Natera, Inc.
Classification: Uncertain significance for Congenital myasthenic syndrome. Last evaluated: 2019-10-28. Review status: no assertion criteria provided. Collection method: clinical testing. Allele origin: germline. Not counted in ClinVar's aggregate classification.